The following is an entry in ClinVar:

NM_002160.4(TNC):c.3672G>C (p.Gly1224=)

Genes: TNC (tenascin C; minus strand), LOC126860741 (P300/CBP strongly-dependent group 1 enhancer GRCh37_chr9:117825442-117826641; plus strand). Cytogenetic location: 9q33.1.
Variant type: single nucleotide variant.
Coding change: c.3672G>C on transcript NM_002160.4 (MANE Select); coding-DNA position 3672, G replaced by C.
Protein change: p.Gly1224=; no amino-acid change (glycine 1224 retained).
Molecular consequence: synonymous variant.
Genome position (GRCh38, 1-based): chr9:115,063,884, C>G on the plus strand (G>C on the coding strand, the complement: TNC is on the minus strand). VCF-style: chr9-115063884-C-G. GRCh37 (hg19) VCF-style: chr9-117826163-C-G.
Other names: c.3672G>C, p.Gly1224= (NM_001410991.1).
Identifiers: ClinVar variation 3347500 (VCV003347500.1).

ClinVar aggregate classification (germline): Likely benign (0 of 4 stars; one submission).

Conditions:
TNC-related disorder. Also called: TNC-related condition.

Submission:

PreventionGenetics, part of Exact Sciences
Classification: Likely benign for TNC-related condition. Last evaluated: 2024-08-05. Review status: no assertion criteria provided. Collection method: clinical testing. Allele origin: germline.
Comment: This variant is classified as likely benign based on ACMG/AMP sequence variant interpretation guidelines (Richards et al. 2015 PMID: 25741868, with internal and published modifications).